The following is an entry in ClinVar:

NC_000003.11:g.(?_155545999)_(155560428_?)dup

Gene: SLC33A1 (solute carrier family 33 member 1; minus strand). Cytogenetic location: 3q25.31.
Variant type: Duplication.
Identifiers: ClinVar variation 2425212 (VCV002425212.4).

ClinVar aggregate classification (germline): Uncertain significance (1 of 4 stars; one submission).

Conditions:
Spastic paraplegia. Identifiers: MedGen C0037772, HP:0001258.

Submission:

Labcorp Genetics (formerly Invitae), Labcorp
Classification: Uncertain significance for Spastic paraplegia. Last evaluated: 2022-07-13. Review status: criteria provided, single submitter. Criteria: Invitae Variant Classification Sherloc (09022015). Collection method: clinical testing. Allele origin: germline.
Comment: In summary, the available evidence is currently insufficient to determine the role of this variant in disease. Therefore, it has been classified as a Variant of Uncertain Significance. This variant has not been reported in the literature in individuals affected with SLC33A1-related conditions. This variant results in a copy number gain of the genomic region encompassing exon(s) 2-6 of the SLC33A1 gene. This region includes the termination codon of the gene. This copy number gain extends beyond the assayed region for this gene and therefore may encompass additional genes. As the precise location of this event is unknown, it may be in tandem or it may be located elsewhere in the genome.